The following is an entry in ClinVar:

ClinVar aggregate classification (germline): Benign (1 of 4 stars; one submission).

Allele frequency attached by ClinVar (database versions not stated): gnomAD exomes 0.00758; gnomAD 0.02733 and 0.02844; TOPMed 0.03077; 1000 Genomes Project 0.03834; 1000 Genomes Project 30x 0.03935.
gnomAD v4.1: 6,728 of 491,406 alleles (1.4%); highest among the groups gnomAD compares: African/African-American, 8.5%; 218 homozygotes.

Submission:

GeneDx
Classification: Benign. Last evaluated: 2018-06-14. Review status: criteria provided, single submitter. Criteria: GeneDx Variant Classification (06012015). Collection method: clinical testing. Allele origin: germline. Affected: yes.
Comment: This variant is considered likely benign or benign based on one or more of the following criteria: it is a conservative change, it occurs at a poorly conserved position in the protein, it is predicted to be benign by multiple in silico algorithms, and/or has population frequency not consistent with disease.

NM_005506.4(SCARB2):c.994+249T>C

Gene: SCARB2 (scavenger receptor class B member 2; minus strand). Cytogenetic location: 4q21.1.
Variant type: single nucleotide variant.
Coding change: c.994+249T>C on transcript NM_005506.4 (MANE Select); 249 bases into the intron after coding-DNA position 994, T replaced by C.
Molecular consequence: intron variant.
Genome position (GRCh38, 1-based): chr4:76,173,895, A>G on the plus strand (T>C on the coding strand, the complement: SCARB2 is on the minus strand). VCF-style: chr4-76173895-A-G. GRCh37 (hg19) VCF-style: chr4-77095048-A-G.
Other names: c.565+249T>C (NM_001204255.2).
Identifiers: ClinVar variation 673156 (VCV000673156.1), dbSNP rs17001559, ClinGen allele CA15324466.